The following is an entry in ClinVar:

ClinVar aggregate classification (germline): Uncertain significance (3 of 4 stars; one submission).

Conditions:
Bernard Soulier syndrome (BSS). Also called: GLYCOPROTEIN Ib, PLATELET, DEFICIENCY OF; PLATELET GLYCOPROTEIN Ib DEFICIENCY; VON WILLEBRAND FACTOR RECEPTOR DEFICIENCY; Giant platelet syndrome; Hemorrhagiparous thrombocytic dystrophy; Giant platelet disease. Identifiers: Orphanet 274, MedGen C0005129, MeSH D001606, MONDO:0009276, OMIM 231200.

Submission:

ClinGen Platelet Disorders Variant Curation Expert Panel, ClinGen
Classification: Uncertain significance for Bernard Soulier syndrome. Last evaluated: 2025-02-11. Review status: reviewed by expert panel. Criteria: ClinGen Platelet ACMG Specifications GP1BB V1.0.0. Collection method: curation. Allele origin: germline. Inheritance: Autosomal recessive inheritance.
Comment: The NM_000407.5(GP1BB):c.244C>T (p.Arg82Cys) missense variant is absent from gnomAD v4.1 (PM2_Supporting). One compound heterozygote has been reported with Tyr113Cys (classified Likely Pathogenic by PD VCEP) and Arg82Cys confirmed in trans from heterozygous parents (PMID: 24051937; PM3). The patient (PMID: 24051937) with this variant had aggregation absent for ristocetin and present for all other agonists and flow cytometry revealed severely decreased GPIbα (6.3% WT) and GPIX (4.8% WT) on the patient’s platelets, which is specific for Bernard-Soulier syndrome (PP4). Additionally, the patient had macrothrombocytopenia which is consistent with Bernard-Soulier syndrome. In summary, this variant meets the criteria to be classified as Uncertain significance - insufficient evidence for autosomal recessive Bernard-Soulier syndrome based on the ACMG/AMP criteria applied, as specified by the ClinGen PD VCEP: PP4, PM3, PM2_supporting.

NM_000407.5(GP1BB):c.244C>T (p.Arg82Cys)

Genes: GP1BB (glycoprotein Ib platelet subunit beta; plus strand), SEPT5-GP1BB (SEPT5-GP1BB readthrough; plus strand). Cytogenetic location: 22q11.21.
Variant type: single nucleotide variant.
Coding change: c.244C>T on transcript NM_000407.5 (MANE Select); coding-DNA position 244, C replaced by T.
Protein change: p.Arg82Cys; replaces arginine 82 with cysteine.
Molecular consequence: missense variant. On other transcripts: non-coding transcript variant (2).
Genome position (GRCh38, 1-based): chr22:19,724,087, C>T. VCF-style: chr22-19724087-C-T. GRCh37 (hg19) VCF-style: chr22-19711610-C-T.
Other names: NM_000407.5:c.244C>T; short protein forms R82C.
Identifiers: ClinVar variation 3775054 (VCV003775054.1).
Genomic context (GRCh38, chr22:19,724,087, plus strand): 5'-CTGACCGGCAACAACCTGACGGCGCTGCCGCCGGGGCTGCTGGACGCGCTGCCCGCGCTG[C>T]GCACCGCACACCTGGGCGCCAACCCCTGGCGCTGCGACTGCCGCCTTGTGCCGCTGCGCG-3'
Protein context (NP_000398.1, residues 72-92): PGLLDALPAL[Arg82Cys]TAHLGANPWR